The following is an entry in ClinVar:

NM_006231.4(POLE):c.286-2A>T

Gene: POLE (DNA polymerase epsilon, catalytic subunit; minus strand). Cytogenetic location: 12q24.33.
Variant type: single nucleotide variant.
Coding change: c.286-2A>T on transcript NM_006231.4 (MANE Select); the canonical splice acceptor site of the intron before coding-DNA position 286, A replaced by T.
Molecular consequence: splice acceptor variant.
Genome position (GRCh38, 1-based): chr12:132,680,224, T>A on the plus strand (A>T on the coding strand, the complement: POLE is on the minus strand). VCF-style: chr12-132680224-T-A. GRCh37 (hg19) VCF-style: chr12-133256810-T-A.
Identifiers: ClinVar variation 3646077 (VCV003646077.2).

ClinVar aggregate classification (germline): Likely pathogenic (1 of 4 stars; one submission).

Submission:

Labcorp Genetics (formerly Invitae), Labcorp
Classification: Likely pathogenic. Last evaluated: 2024-03-20. Review status: criteria provided, single submitter. Criteria: Invitae Variant Classification Sherloc (09022015). Collection method: clinical testing. Allele origin: germline.
Comment: This sequence change affects an acceptor splice site in intron 3 of the POLE gene. It is expected to disrupt RNA splicing. Variants that disrupt the donor or acceptor splice site typically lead to a loss of protein function (PMID: 16199547), and loss-of-function variants in POLE are known to be pathogenic (PMID: 23230001, 25948378, 30503519). This variant is not present in population databases (gnomAD no frequency). This variant has not been reported in the literature in individuals affected with POLE-related conditions. Algorithms developed to predict the effect of sequence changes on RNA splicing suggest that this variant may disrupt the consensus splice site. In summary, the currently available evidence indicates that the variant is pathogenic, but additional data are needed to prove that conclusively. Therefore, this variant has been classified as Likely Pathogenic.

Literature cited by the submitters: PubMed 16199547; PubMed 23230001; PubMed 25948378; PubMed 30503519.